The following is an entry in ClinVar:

ClinVar aggregate classification (germline): Pathogenic (1 of 4 stars; one submission).

Submission:

GeneDx
Classification: Pathogenic. Last evaluated: 2018-04-30. Review status: criteria provided, single submitter. Criteria: GeneDx Variant Classification (06012015). Collection method: clinical testing. Allele origin: germline. Affected: yes.
Comment: The Q16X variant in the ZMYND11 gene has not been reported previously as a pathogenic variant nor as a benign variant, to our knowledge. This variant is predicted to cause loss of normal protein function either through protein truncation or nonsense-mediated mRNA decay. The Q16X variant is not observed in large population cohorts (Lek et al., 2016). We interpret Q16X as a pathogenic variant.

NM_001370100.5(ZMYND11):c.46C>T (p.Gln16Ter)

Gene: ZMYND11 (zinc finger MYND-type containing 11; plus strand). Cytogenetic location: 10p15.3.
Variant type: single nucleotide variant.
Coding change: c.46C>T on transcript NM_001370100.5 (MANE Select); coding-DNA position 46, C replaced by T.
Protein change: p.Gln16Ter; replaces glutamine 16 with a stop codon.
Molecular consequence: nonsense. On other transcripts: 5 prime UTR variant (3), non-coding transcript variant (1), intron variant (5).
Genome position (GRCh38, 1-based): chr10:180,058, C>T. VCF-style: chr10-180058-C-T. GRCh37 (hg19) VCF-style: chr10-225998-C-T.
Other names: c.46C>T, p.Gln16Ter (NM_001202464.3, NM_001202465.3, NM_001202466.3 and 24 more transcripts); c.-101C>T (NM_001330057.3, NM_001370112.2, NM_001370123.2); c.-4-29831C>T (NM_001370118.2, NM_001370121.2); c.51-29831C>T (NM_001370116.2, NM_001370120.2); c.-34+45166C>T (NM_001370124.3); short protein forms Q16*.
Identifiers: ClinVar variation 523901 (VCV000523901.2), dbSNP rs1554767737, ClinGen allele CA375841297.